The following is an entry in ClinVar:

ClinVar aggregate classification (germline): Pathogenic (1 of 4 stars; one submission).

Conditions:
Hereditary cancer-predisposing syndrome. Also called: Neoplastic Syndromes, Hereditary; Tumor predisposition; Hereditary Cancer Syndrome; Hereditary neoplastic syndrome. Identifiers: Orphanet 140162, MedGen C0027672, MeSH D009386, MONDO:0015356.

Submission:

Ambry Genetics
Classification: Pathogenic for Hereditary cancer-predisposing syndrome. Last evaluated: 2021-10-27. Review status: criteria provided, single submitter. Criteria: Ambry Variant Classification Scheme 2023. Collection method: clinical testing. Allele origin: germline.
Comment: The c.1670_1674delTAATT pathogenic mutation, located in coding exon 9 of the BRCA2 gene, results from a deletion of 5 nucleotides at nucleotide positions 1670 to 1674, causing a translational frameshift with a predicted alternate stop codon (p.L557*). This variant is considered to be rare based on population cohorts in the Genome Aggregation Database (gnomAD). This alteration is expected to result in loss of function by premature protein truncation or nonsense-mediated mRNA decay. As such, this alteration is interpreted as a disease-causing mutation.

NM_000059.4(BRCA2):c.1670_1674del (p.Asn556_Leu557insTer)

Gene: BRCA2 (BRCA2 DNA repair associated; plus strand). Cytogenetic location: 13q13.1.
Variant type: Deletion.
Coding change: c.1670_1674del on transcript NM_000059.4 (MANE Select); coding-DNA positions 1670 to 1674, 5 bases deleted (TAATT; older notation c.1670_1674delTAATT).
Protein change: p.Asn556_Leu557insTer.
Molecular consequence: nonsense. On other transcripts: frameshift variant (3).
Genome position (GRCh38, 1-based): chr13:32,333,148-32,333,152, TAATT deleted; deleting any 5 consecutive bases within chr13:32,333,144-32,333,152 gives the same sequence; the c. name uses the placement nearest the transcript's 3' end. VCF-style (leftmost placement, unchanged base first): chr13-32333143-AAATTT-A. GRCh37 (hg19) VCF-style: chr13-32907280-AAATTT-A.
Other names: c.1670_1674delTAATT, p.Leu557Terfs (NM_001406719.1, NM_001406720.1, NM_001406721.1).
Identifiers: ClinVar variation 1777667 (VCV001777667.2), dbSNP rs2548520767, ClinGen allele CA2580087101.